The following is an entry in ClinVar:

ClinVar aggregate classification (germline): Pathogenic/Likely pathogenic. Review status: criteria provided, multiple submitters, no conflicts (2 of 4 stars). 4 submissions from 4 submitters: Pathogenic (3); Likely pathogenic (1). Last evaluated 2024-10-21.

Conditions:
Arrhythmogenic cardiomyopathy with wooly hair and keratoderma. Also called: Carvajal syndrome; PALMOPLANTAR KERATODERMA WITH LEFT VENTRICULAR CARDIOMYOPATHY AND WOOLLY HAIR; Arrhythmogenic cardiomyopathy with woolly hair and keratoderma; Dilated cardiomyopathy with woolly hair and keratoderma. Identifiers: Orphanet 65282, MedGen C1854063, MONDO:0011581, OMIM 605676.
Arrhythmogenic right ventricular dysplasia 8 (ARVD8). Also called: Arrhythmogenic Right Ventricular Dysplasia/Cardiomyopathy 8; ARRHYTHMOGENIC RIGHT VENTRICULAR DYSPLASIA, FAMILIAL, 8; ARRHYTHMOGENIC RIGHT VENTRICULAR CARDIOMYOPATHY 8. Identifiers: MedGen C1843896, MONDO:0011831, OMIM 607450.
Cardiovascular phenotype. Identifiers: MedGen CN230736.

Submissions (4):

ARUP Laboratories, Molecular Genetics and Genomics, ARUP Laboratories
Classification: Likely pathogenic. Last evaluated: 2024-10-21. Review status: criteria provided, single submitter. Criteria: ARUP Molecular Germline Variant Investigation Process 2024. Collection method: clinical testing. Allele origin: germline.
Comment: The DSP c.6466dup; p.Arg2156LysfsTer9 variant (rs1554108859, ClinVar Variation ID: 419496) is reported in the literature in one individual from a genomic screening cohort who did not report arrhythmogenic cardiomyopathy (ACM); however, a portion of individuals in this cohort exhibited some features of ACM (Carruth 2021). This variant is absent from the Genome Aggregation Database (v2.1.1), indicating it is not a common polymorphism. This variant results in a premature termination codon in the last exon of the DSP gene. While this may not lead to nonsense-mediated decay, it is expected to create a truncated DSP protein. Additionally, several downstream truncating variants have been described in individuals with cardiomyopathy and are considered pathogenic (Castelletti 2017, Smith 2020). Based on available information, this variant is considered to be likely pathogenic. References: Carruth ED et al. Clinical Findings and Diagnostic Yield of Arrhythmogenic Cardiomyopathy Through Genomic Screening of Pathogenic or Likely Pathogenic Desmosome Gene Variants. Circ Genom Precis Med. 2021 Apr;14(2):e003302. PMID: 33684294. Castelletti et al. Desmoplakin missense and non-missense mutations in arrhythmogenic right ventricular cardiomyopathy: Genotype-phenotype correlation. Int J Cardiol. 2017 Dec 15;249:268-273. PMID: 28527814. Smith et al. Desmoplakin Cardiomyopathy, a Fibrotic and Inflammatory Form of Cardiomyopathy Distinct From Typical Dilated or Arrhythmogenic Right Ventricular Cardiomyopathy. Circulation. 2020 Jun 9;141(23):1872-1884. PMID: 32372669

Ambry Genetics
Classification: Pathogenic for Cardiovascular phenotype. Last evaluated: 2022-12-16. Review status: criteria provided, single submitter. Criteria: Ambry Variant Classification Scheme 2023. Collection method: clinical testing. Allele origin: germline.
Comment: The c.6466dupA pathogenic mutation, located in coding exon 24 of the DSP gene, results from a duplication of A at nucleotide position 6466, causing a translational frameshift with a predicted alternate stop codon (p.R2156Kfs*9). This alteration occurs at the 3' terminus of theDSP gene, is not expected to trigger nonsense-mediated mRNA decay, and impacts the last 716 amino acids (25%) of the protein. However, premature stop codons are typically deleterious in nature and the impacted region is critical for protein function (Ambry internal data). Alterations in DSP that result in haploinsufficiency or protein truncation have been reported in patients with arrhythmogenic right ventricular cardiomyopathy (ARVC) and dilated cardiomyopathy (DCM) (Fressart V et al. Europace. 2010;12(6):861-8; Elliott P et al. Circ Cardiovasc Genet. 2010;3(4):314-22; Quarta G et al. Circulation. 2011;123(23):2701-9; Garcia-Pavia P et al. Heart. 2011;97(21):1744-52; Rasmussen TB et al. Clin Genet. 2013;84(1):20-30; Pugh TJ et al. Genet Med. 2014;16(8):601-8). This variant has been detected in an individual from an exome sequencing cohort without overt ARVC; however, a portion of individuals in this cohort exhibited some features of ARVC or DCM (Carruth ED et al. Circ Genom Precis Med. 2021 Apr;14(2):e003302). This variant is considered to be rare based on population cohorts in the Genome Aggregation Database (gnomAD). Based on the supporting evidence, this alteration is interpreted as a disease-causing mutation.

Labcorp Genetics (formerly Invitae), Labcorp
Classification: Pathogenic for Arrhythmogenic cardiomyopathy with wooly hair and keratoderma; Arrhythmogenic right ventricular dysplasia 8. Last evaluated: 2022-10-03. Review status: criteria provided, single submitter. Criteria: Invitae Variant Classification Sherloc (09022015). Collection method: clinical testing. Allele origin: germline.
Comment: This variant disrupts a region of the DSP protein in which other variant(s) (p.Arg2166*, p.Gly2414*, p.Ser2168Argfs*18) have been determined to be pathogenic (PMID: 23671136, 27532257; Invitae). This suggests that this is a clinically significant region of the protein, and that variants that disrupt it are likely to be disease-causing. For these reasons, this variant has been classified as Pathogenic. ClinVar contains an entry for this variant (Variation ID: 419496). This variant has not been reported in the literature in individuals affected with DSP-related conditions. This variant is not present in population databases (gnomAD no frequency). This sequence change creates a premature translational stop signal (p.Arg2156Lysfs*9) in the DSP gene. While this is not anticipated to result in nonsense mediated decay, it is expected to disrupt the last 716 amino acid(s) of the DSP protein.

GeneDx
Classification: Pathogenic. Last evaluated: 2015-07-27. Review status: criteria provided, single submitter. Criteria: GeneDx Variant Classification (06012015). Collection method: clinical testing. Allele origin: germline. Affected: yes.
Comment: Although the c.6466dupA duplications in the DSP gene has not been reported to our knowledge, this variant causes a shift in reading frame starting at codon Arginine 2156, changing it to a Lysine, and creating apremature stop codon at position 9 of the new reading frame, denoted p.Arg2156LysfsX9. This duplication isexpected to result in an abnormal, truncated protein product with the last 716 correct amino acids beingreplaced by 8 incorrect amino acids. Other frameshift variants in the DSP gene have been reported inHGMD in association with cardiomyopathy (Stenson P et al., 2014). Furthermore, the c.6466dupA duplicationwas not observed in approximately 6,500 individuals of European and African American ancestry in theNHLBI Exome Sequencing Project, indicating it is not a common benign variant in these populations.In summary, c.6466dupA in the DSP gene is interpreted as a pathogenic variant.

Literature cited by the submitters: PubMed 33684294 (cited by Ambry Genetics); PubMed 23671136 (cited by Labcorp Genetics (formerly Invitae), Labcorp); PubMed 27532257 (cited by Labcorp Genetics (formerly Invitae), Labcorp).

NM_004415.4(DSP):c.6466dup (p.Arg2156fs)

Gene: DSP (desmoplakin; plus strand). Cytogenetic location: 6p24.3.
Variant type: Duplication.
Coding change: c.6466dup on transcript NM_004415.4 (MANE Select); coding-DNA position 6466, one base duplicated (A; older notation c.6466dupA).
Protein change: p.Arg2156fs; shifts the reading frame from arginine 2156.
Molecular consequence: frameshift variant.
Genome position (GRCh38, 1-based): chr6:7,583,728, A duplicated. VCF-style (leftmost placement, unchanged base first): chr6-7583727-T-TA. GRCh37 (hg19) VCF-style: chr6-7583960-T-TA.
Other names: c.4669dup, p.Arg1557fs (NM_001008844.3); c.5137dup, p.Arg1713fs (NM_001319034.2); c.6466dup (LRG_423t1); short protein forms R2156fs, R1557fs, R1713fs.
Identifiers: ClinVar variation 419496 (VCV000419496.12), dbSNP rs1554108859, ClinGen allele CA16618326.